The following is an entry in ClinVar:

NM_001009944.3(PKD1):c.7679G>A (p.Gly2560Glu)

Gene: PKD1 (polycystin 1, transient receptor potential channel interacting; minus strand). Cytogenetic location: 16p13.3.
Variant type: single nucleotide variant.
Coding change: c.7679G>A on transcript NM_001009944.3 (MANE Select); coding-DNA position 7679, G replaced by A.
Protein change: p.Gly2560Glu; replaces glycine 2560 with glutamic acid.
Molecular consequence: missense variant.
Genome position (GRCh38, 1-based): chr16:2,106,115, C>T on the plus strand (G>A on the coding strand, the complement: PKD1 is on the minus strand). VCF-style: chr16-2106115-C-T. GRCh37 (hg19) VCF-style: chr16-2156116-C-T.
Other names: c.7679G>A (NM_000296.3); c.7679G>A, p.Gly2560Glu (NM_000296.4); short protein forms G2560E.
Identifiers: ClinVar variation 3367639 (VCV003367639.2).

ClinVar aggregate classification (germline): Uncertain significance. Review status: criteria provided, multiple submitters, no conflicts (2 of 4 stars). 2 submissions from 2 submitters: Uncertain significance (2). Last evaluated 2026-01-09.

Conditions:
Inborn genetic diseases. Identifiers: MedGen C0950123, MeSH D030342.

gnomAD v4.1: 1 of 1,605,072 alleles (0.000062%); highest among the groups gnomAD compares: African/African-American, 0.0013%; no homozygotes.

Submissions (2):

Ambry Genetics
Classification: Uncertain significance for Inborn genetic diseases. Last evaluated: 2026-01-09. Review status: criteria provided, single submitter. Criteria: Ambry Variant Classification Scheme 2023. Collection method: clinical testing. Allele origin: germline.

GeneDx
Classification: Uncertain significance. Last evaluated: 2024-01-12. Review status: criteria provided, single submitter. Criteria: GeneDx Variant Classification Process June 2021. Collection method: clinical testing. Allele origin: germline. Affected: yes.
Comment: Not observed at significant frequency in large population cohorts (gnomAD); In silico analysis supports that this missense variant has a deleterious effect on protein structure/function; Has not been previously published as pathogenic or benign to our knowledge